The following is an entry in ClinVar:

ClinVar aggregate classification (germline): Likely pathogenic (1 of 4 stars; one submission).

Conditions:
Deficiency of alpha-mannosidase (MANSA). Also called: Mannosidosis, alpha-, types I and II; Alpha-Mannosidosis; LYSOSOMAL ALPHA-D-MANNOSIDASE DEFICIENCY. Identifiers: Orphanet 61, MedGen C0024748, MONDO:0009561, OMIM 248500.

Submission:

Myriad Genetics, Inc.
Classification: Likely pathogenic for Deficiency of alpha-mannosidase. Last evaluated: 2019-09-29. Review status: criteria provided, single submitter. Criteria: Myriad Women's Health Autosomal Recessive and X-Linked Classification Criteria (2019). Collection method: clinical testing. Allele origin: unknown.
Comment: NM_000528.3(MAN2B1):c.2002A>T(K668*) is expected to be pathogenic in the context of alpha-mannosidosis. This variant is predicted to lead to an abnormal or absent protein product due to the creation of a premature termination codon in MAN2B1, a gene where loss-of-function variants are known to be pathogenic. Please note: this variant was assessed in the context of healthy population screening.

NM_000528.4(MAN2B1):c.2002A>T (p.Lys668Ter)

Gene: MAN2B1 (mannosidase alpha class 2B member 1; minus strand). Cytogenetic location: 19p13.13.
Variant type: single nucleotide variant.
Coding change: c.2002A>T on transcript NM_000528.4 (MANE Select); coding-DNA position 2002, A replaced by T.
Protein change: p.Lys668Ter; replaces lysine 668 with a stop codon.
Molecular consequence: nonsense.
Genome position (GRCh38, 1-based): chr19:12,652,197, T>A on the plus strand (A>T on the coding strand, the complement: MAN2B1 is on the minus strand). VCF-style: chr19-12652197-T-A. GRCh37 (hg19) VCF-style: chr19-12763011-T-A.
Other names: c.1999A>T, p.Lys667Ter (NM_001173498.2); short protein forms K667*, K668*.
Identifiers: ClinVar variation 984118 (VCV000984118.3), dbSNP rs2023853280, ClinGen allele CA404244054.